The following is an entry in ClinVar:

NM_017780.4(CHD7):c.6104-1G>C

Gene: CHD7 (chromodomain helicase DNA binding protein 7; plus strand). Cytogenetic location: 8q12.2.
Variant type: single nucleotide variant.
Coding change: c.6104-1G>C on transcript NM_017780.4 (MANE Select); the canonical splice acceptor site of the intron before coding-DNA position 6104, G replaced by C.
Molecular consequence: splice acceptor variant. On other transcripts: intron variant (1).
Genome position (GRCh38, 1-based): chr8:60,852,828, G>C. VCF-style: chr8-60852828-G-C. GRCh37 (hg19) VCF-style: chr8-61765387-G-C.
Other names: c.1717-9401G>C (NM_001316690.1).
Identifiers: ClinVar variation 3393041 (VCV003393041.2).
Genomic context (GRCh38, chr8:60,852,828, plus strand): 5'-TGTACAATGTAGAATGCCCTTGAATTCTCCCCAAGTAAATATGAGCCCTTCTGTGTTACA[G>C]AACCGCCCGACCTCTCCTCCATAATTGAGCCGATCACAGAGGAGCGAGCCTCTCGAACTC-3'

ClinVar aggregate classification (germline): Pathogenic (1 of 4 stars; one submission).

Conditions:
Hypogonadotropic hypogonadism 5 with or without anosmia (KAL5). Also called: HYPOGONADOTROPIC HYPOGONADISM 5 WITH ANOSMIA; HYPOGONADOTROPHIC HYPOGONADISM 5 WITHOUT ANOSMIA; CHD7-Related GnRH Deficiency (Kallmann Syndrome 5). Identifiers: Orphanet 478, MedGen C3552553, MONDO:0012880, OMIM 612370. Disease mechanism: loss of function.

Submission:

Center of Excellence in Precision Medicine and Digital Health (CEPMDH), Faculty of Dentistry, Chulalongkorn University
Classification: Pathogenic for Hypogonadotropic hypogonadism 5 with or without anosmia. Review status: criteria provided, single submitter. Criteria: ACMG Guidelines, 2015. Collection method: research. Allele origin: de novo. Inheritance: Sporadic. Affected: yes.
Comment: Furthermore, a separate case involving a variant in exon 31 was previously reported by Hughes et al. (2013). In conclusion, based on the ACMG guidelines, the c.6104-1G>C variant is classified as pathogenic.